The following is an entry in ClinVar:

NM_006852.6(TLK2):c.1016G>C (p.Arg339Pro)

Gene: TLK2 (tousled like kinase 2; plus strand). Cytogenetic location: 17q23.2.
Variant type: single nucleotide variant.
Coding change: c.1016G>C on transcript NM_006852.6 (MANE Select); coding-DNA position 1016, G replaced by C.
Protein change: p.Arg339Pro; replaces arginine 339 with proline.
Molecular consequence: missense variant.
Genome position (GRCh38, 1-based): chr17:62,573,262, G>C. VCF-style: chr17-62573262-G-C. GRCh37 (hg19) VCF-style: chr17-60650623-G-C.
Other names: c.1016G>C, p.Arg339Pro (NM_001284333.3, NM_001375270.1, NM_001375271.1); c.920G>C, p.Arg307Pro (NM_001284363.1, NM_001375272.1); c.569G>C, p.Arg190Pro (NM_001330418.3, NM_001375273.1); c.1058G>C, p.Arg353Pro (NM_001375269.1); c.731G>C, p.Arg244Pro (NM_001411074.1); short protein forms R190P, R244P, R307P, R339P, R353P.
Identifiers: ClinVar variation 3236251 (VCV003236251.1), dbSNP rs1567948287, ClinGen allele CA400501332.
Genomic context (GRCh38, chr17:62,573,262, plus strand): 5'-TTTATATCTCTAGGCAACAGGAAAGGATAAATTCACAGAGGGAAGAGATAGAAAGACAAC[G>C]GAAAATGTTAGCAAAGCGGAAACCTCCTGCCATGGGTCAGGCCCCTCCTGCAACCAATGA-3'
Protein context (NP_006843.2, residues 329-349): NSQREEIERQ[Arg339Pro]KMLAKRKPPA

ClinVar aggregate classification (germline): Uncertain significance (1 of 4 stars; one submission).

Conditions:
Intellectual developmental disorder, autosomal dominant 57. Also called: MENTAL RETARDATION, AUTOSOMAL DOMINANT 57; Intellectual disability, autosomal dominant 57. Identifiers: MedGen C4748003, MONDO:0054837, OMIM 618050.

Submission:

MVZ Medizinische Genetik Mainz
Classification: Uncertain significance for Intellectual developmental disorder, autosomal dominant 57. Last evaluated: 2024-01-12. Review status: criteria provided, single submitter. Criteria: UK Practice Guidelines For Variant Classification V4 01 2020. Collection method: clinical testing. Allele origin: germline. Inheritance: Autosomal dominant inheritance. Affected: yes. Observed: 1 variant allele.
Comment: ACMG Criteria: PM5, PM2_SUP, PP2, PP3 (ACMG Version 4)